The following is an entry in ClinVar:

NM_030928.4(CDT1):c.1240G>T (p.Ala414Ser)

Gene: CDT1 (chromatin licensing and DNA replication factor 1; plus strand). Cytogenetic location: 16q24.3.
Variant type: single nucleotide variant.
Coding change: c.1240G>T on transcript NM_030928.4 (MANE Select); coding-DNA position 1240, G replaced by T.
Protein change: p.Ala414Ser; replaces alanine 414 with serine.
Molecular consequence: missense variant.
Genome position (GRCh38, 1-based): chr16:88,807,168, G>T. VCF-style: chr16-88807168-G-T. GRCh37 (hg19) VCF-style: chr16-88873576-G-T.
Other names: c.1240G>T (NM_030928.3); short protein forms A414S.
Identifiers: ClinVar variation 1045064 (VCV001045064.7), dbSNP rs763233317, ClinGen allele CA8234068.

ClinVar aggregate classification (germline): Uncertain significance. Review status: criteria provided, multiple submitters, no conflicts (2 of 4 stars). 2 submissions from 2 submitters: Uncertain significance (2). Last evaluated 2024-11-05.

Conditions:
Inborn genetic diseases. Identifiers: MedGen C0950123, MeSH D030342.

Allele frequency attached by ClinVar (database versions not stated): gnomAD 0.00001; gnomAD exomes 0.00002 and 0.00005; ExAC 0.00003; TOPMed 0.00003.
gnomAD v4.1: 23 of 1,612,512 alleles (0.0014%); highest among the groups gnomAD compares: East Asian, 0.049%; no homozygotes.

Submissions (2):

Labcorp Genetics (formerly Invitae), Labcorp
Classification: Uncertain significance. Last evaluated: 2024-11-05. Review status: criteria provided, single submitter. Criteria: Invitae Variant Classification Sherloc (09022015). Collection method: clinical testing. Allele origin: germline.
Comment: This sequence change replaces alanine, which is neutral and non-polar, with serine, which is neutral and polar, at codon 414 of the CDT1 protein (p.Ala414Ser). This variant is present in population databases (rs763233317, gnomAD 0.07%). This variant has not been reported in the literature in individuals affected with CDT1-related conditions. ClinVar contains an entry for this variant (Variation ID: 1045064). An algorithm developed to predict the effect of missense changes on protein structure and function (PolyPhen-2) suggests that this variant is likely to be tolerated. In summary, the available evidence is currently insufficient to determine the role of this variant in disease. Therefore, it has been classified as a Variant of Uncertain Significance.

Ambry Genetics
Classification: Uncertain significance for Inborn genetic diseases. Last evaluated: 2024-01-09. Review status: criteria provided, single submitter. Criteria: Ambry Variant Classification Scheme 2023. Collection method: clinical testing. Allele origin: germline.